The following is an entry in ClinVar:

NM_175914.5(HNF4A):c.940_942dup (p.Glu314_Leu315insGlu)

Gene: HNF4A (hepatocyte nuclear factor 4 alpha; plus strand). Cytogenetic location: 20q13.12.
Variant type: Duplication.
Coding change: c.940_942dup on transcript NM_175914.5 (MANE Select); coding-DNA positions 940 to 942, 3 bases duplicated (GAG; older notation c.940_942dupGAG).
Protein change: p.Glu314_Leu315insGlu.
Molecular consequence: inframe insertion.
Genome position (GRCh38, 1-based): chr20:44,424,131-44,424,133, GAG duplicated. VCF-style (leftmost placement, unchanged base first): chr20-44424130-A-AGAG. GRCh37 (hg19) VCF-style: chr20-43052770-A-AGAG.
Other names: c.1006_1008dup, p.Glu336_Leu337insGlu (NM_000457.6, NM_178849.3, NM_178850.3); c.940_942dup, p.Glu314_Leu315insGlu (NM_001030003.3, NM_001030004.3); c.985_987dup, p.Glu329_Leu330insGlu (NM_001258355.2); c.931_933dup, p.Glu311_Leu312insGlu (NM_001287182.2, NM_001287183.2, NM_001287184.2).
Identifiers: ClinVar variation 4722232 (VCV004722232.1).
Genomic context (GRCh38, chr20:44,424,130, plus strand): 5'-GCAGGTGAGCTTGGAGGACTACATCAACGACCGCCAGTATGACTCGCGTGGCCGCTTTGG[A>AGAG]GAGCTGCTGCTGCTGCTGCCCACCTTGCAGAGCATCACCTGGCAGATGATCGAGCAGATC-3'

ClinVar aggregate classification (germline): Uncertain significance (1 of 4 stars; one submission).

Submission:

Labcorp Genetics (formerly Invitae), Labcorp
Classification: Uncertain significance. Last evaluated: 2025-06-27. Review status: criteria provided, single submitter. Criteria: Invitae Variant Classification Sherloc (09022015). Collection method: clinical testing. Allele origin: germline.
Comment: This variant, c.940_942dup, results in the insertion of 1 amino acid(s) of the HNF4A protein (p.Glu314dup), but otherwise preserves the integrity of the reading frame. This variant is not present in population databases (gnomAD no frequency). This variant has not been reported in the literature in individuals affected with HNF4A-related conditions. In summary, the available evidence is currently insufficient to determine the role of this variant in disease. Therefore, it has been classified as a Variant of Uncertain Significance.